The following is an entry in ClinVar:

NM_000455.5(STK11):c.285G>T (p.Val95=)

Gene: STK11 (serine/threonine kinase 11; plus strand). Cytogenetic location: 19p13.3.
Variant type: single nucleotide variant.
Coding change: c.285G>T on transcript NM_000455.5 (MANE Select); coding-DNA position 285, G replaced by T.
Protein change: p.Val95=; no amino-acid change (valine 95 retained).
Molecular consequence: synonymous variant.
Genome position (GRCh38, 1-based): chr19:1,207,198, G>T. VCF-style: chr19-1207198-G-T. GRCh37 (hg19) VCF-style: chr19-1207197-G-T.
Identifiers: ClinVar variation 458037 (VCV000458037.14), dbSNP rs1354586362, ClinGen allele CA504706344.

ClinVar aggregate classification (germline): Benign/Likely benign. Review status: criteria provided, multiple submitters, no conflicts (2 of 4 stars). 4 submissions from 4 submitters: Benign (1); Likely benign (3). Last evaluated 2025-10-27.

Conditions:
Peutz-Jeghers syndrome (PJS). Also called: POLYPOSIS, HAMARTOMATOUS INTESTINAL; POLYPS-AND-SPOTS SYNDROME; Peutz-Jeghers polyposis; Periorificial lentiginosis syndrome. Identifiers: Orphanet 2869, MedGen C0031269, MeSH D010580, MONDO:0008280, OMIM 175200.
Hereditary cancer-predisposing syndrome. Also called: Hereditary Cancer Syndrome; Hereditary neoplastic syndrome; Tumor predisposition; Neoplastic Syndromes, Hereditary. Identifiers: Orphanet 140162, MedGen C0027672, MeSH D009386, MONDO:0015356.

Allele frequency attached by ClinVar (database versions not stated): gnomAD exomes below 0.00001 and 0.00001.
gnomAD v4.1: 3 of 1,602,364 alleles (0.00019%); highest among the groups gnomAD compares: East Asian, 0.0022%; no homozygotes.

Submissions (4):

Color Diagnostics, LLC DBA Color Health
Classification: Likely benign for Hereditary cancer-predisposing syndrome. Last evaluated: 2025-10-27. Review status: criteria provided, single submitter. Criteria: ACMG Guidelines, 2015. Collection method: clinical testing. Allele origin: germline.

Myriad Genetics, Inc.
Classification: Benign for Peutz-Jeghers syndrome. Last evaluated: 2025-03-25. Review status: criteria provided, single submitter. Criteria: Myriad Autosomal Dominant, Autosomal Recessive and X-Linked Classification Criteria (2023). Collection method: clinical testing. Allele origin: unknown.
Comment: This variant is considered benign. This variant is a silent/synonymous amino acid change and it is not expected to impact splicing.

Labcorp Genetics (formerly Invitae), Labcorp
Classification: Likely benign for Peutz-Jeghers syndrome. Last evaluated: 2023-07-30. Review status: criteria provided, single submitter. Criteria: Invitae Variant Classification Sherloc (09022015). Collection method: clinical testing. Allele origin: germline.

Ambry Genetics
Classification: Likely benign for Hereditary cancer-predisposing syndrome. Last evaluated: 2022-11-30. Review status: criteria provided, single submitter. Criteria: Ambry Variant Classification Scheme 2023. Collection method: clinical testing. Allele origin: germline.